The following is an entry in ClinVar:

ClinVar aggregate classification (germline): Uncertain significance (1 of 4 stars; one submission).

Allele frequency attached by ClinVar (database versions not stated): gnomAD exomes below 0.00001; ExAC 0.00001.

Submission:

Laboratorio de Genetica e Diagnostico Molecular, Hospital Israelita Albert Einstein
Classification: Uncertain significance. Last evaluated: 2020-04-04. Review status: criteria provided, single submitter. Criteria: ACMG Guidelines, 2015. Collection method: clinical testing. Allele origin: germline. Affected: yes.
Comment: ACMG classification criteria: PM2, PP2, BP4

NM_002739.5(PRKCG):c.1913G>A (p.Arg638His)

Gene: PRKCG (protein kinase C gamma; plus strand). Cytogenetic location: 19q13.42.
Variant type: single nucleotide variant.
Coding change: c.1913G>A on transcript NM_002739.5 (MANE Select); coding-DNA position 1913, G replaced by A.
Protein change: p.Arg638His; replaces arginine 638 with histidine.
Molecular consequence: missense variant.
Genome position (GRCh38, 1-based): chr19:53,906,714, G>A. VCF-style: chr19-53906714-G-A. GRCh37 (hg19) VCF-style: chr19-54409968-G-A.
Other names: c.1913G>A, p.Arg638His (NM_001316329.2); short protein forms R638H.
Identifiers: ClinVar variation 1690853 (VCV001690853.2), dbSNP rs768380642, ClinGen allele CA9640741.
Genomic context (GRCh38, chr19:53,906,714, plus strand): 5'-ACCCGAGGAGCCCTCGGAGCTGCTTAACTTTCCCTCCCCCACGTCTCCCACAGTGTGGCC[G>A]CAGCGGCGAGAACTTTGACAAGTTCTTCACGCGGGCGGCGCCAGCGCTGACCCCTCCAGA-3'
Protein context (NP_002730.1, residues 628-648): PPPFRPRPCG[Arg638His]SGENFDKFFT